The following is an entry in ClinVar:

NM_000428.3(LTBP2):c.4778A>G (p.Asp1593Gly)

Gene: LTBP2 (latent transforming growth factor beta binding protein 2; minus strand). Cytogenetic location: 14q24.3.
Variant type: single nucleotide variant.
Coding change: c.4778A>G on transcript NM_000428.3 (MANE Select); coding-DNA position 4778, A replaced by G.
Protein change: p.Asp1593Gly; replaces aspartic acid 1593 with glycine.
Molecular consequence: missense variant.
Genome position (GRCh38, 1-based): chr14:74,503,329, T>C on the plus strand (A>G on the coding strand, the complement: LTBP2 is on the minus strand). VCF-style: chr14-74503329-T-C. GRCh37 (hg19) VCF-style: chr14-74970032-T-C.
Other names: short protein forms D1593G.
Identifiers: ClinVar variation 1973198 (VCV001973198.5), dbSNP rs751134779, ClinGen allele CA7268637.

ClinVar aggregate classification (germline): Uncertain significance (1 of 4 stars; one submission).

Allele frequency attached by ClinVar (database versions not stated): gnomAD exomes below 0.00001; ExAC 0.00001.
gnomAD v4.1: 2 of 1,613,886 alleles (0.00012%); highest among the groups gnomAD compares: Non-Finnish European, 0.00017%; no homozygotes.

Submission:

Labcorp Genetics (formerly Invitae), Labcorp
Classification: Uncertain significance. Last evaluated: 2022-02-06. Review status: criteria provided, single submitter. Criteria: Invitae Variant Classification Sherloc (09022015). Collection method: clinical testing. Allele origin: germline.
Comment: In summary, the available evidence is currently insufficient to determine the role of this variant in disease. Therefore, it has been classified as a Variant of Uncertain Significance. Algorithms developed to predict the effect of sequence changes on RNA splicing suggest that this variant may create or strengthen a splice site. Algorithms developed to predict the effect of missense changes on protein structure and function are either unavailable or do not agree on the potential impact of this missense change (SIFT: "Tolerated"; PolyPhen-2: "Possibly Damaging"; Align-GVGD: "Class C0"). This variant has not been reported in the literature in individuals affected with LTBP2-related conditions. This variant is present in population databases (rs751134779, gnomAD 0.0009%). This sequence change replaces aspartic acid, which is acidic and polar, with glycine, which is neutral and non-polar, at codon 1593 of the LTBP2 protein (p.Asp1593Gly).